The following is an entry in ClinVar:

ClinVar aggregate classification (germline): Likely pathogenic (1 of 4 stars; one submission).

Submission:

GeneDx
Classification: Likely pathogenic. Last evaluated: 2022-12-12. Review status: criteria provided, single submitter. Criteria: GeneDx Variant Classification Process June 2021. Collection method: clinical testing. Allele origin: germline. Affected: yes.
Comment: Frameshift variant predicted to result in protein truncation or nonsense mediated decay in a gene for which loss of function is a known mechanism of disease; Not observed at significant frequency in large population cohorts (gnomAD); Reported as part of a study analyzing disease-penetrance of FLNC loss-of-function variants in individuals who were unaffected at the time of testing; proband-specific details were not provided (Carruth et al., 2022); This variant is associated with the following publications: (PMID: 35699965)

NM_001458.5(FLNC):c.5754del (p.Leu1919fs)

Genes: FLNC (filamin C; plus strand), FLNC-AS1 (FLNC antisense RNA 1; minus strand). Cytogenetic location: 7q32.1.
Variant type: Deletion.
Coding change: c.5754del on transcript NM_001458.5 (MANE Select); coding-DNA position 5754, one base deleted (T; older notation c.5754delT).
Protein change: p.Leu1919fs; shifts the reading frame from leucine 1919.
Molecular consequence: frameshift variant.
Genome position (GRCh38, 1-based): chr7:128,851,540, T deleted. VCF-style (leftmost placement, unchanged base first): chr7-128851539-AT-A. GRCh37 (hg19) VCF-style: chr7-128491593-AT-A.
Other names: c.5655del, p.Leu1886fs (NM_001127487.2); c.5754delT, p.Leu1919Cysfs (NM_001458.4); short protein forms L1886fs, L1919fs.
Identifiers: ClinVar variation 3342742 (VCV003342742.1).